The following is an entry in ClinVar:

ClinVar aggregate classification (germline): Pathogenic (1 of 4 stars; one submission).

Submission:

Labcorp Genetics (formerly Invitae), Labcorp
Classification: Pathogenic. Last evaluated: 2024-05-08. Review status: criteria provided, single submitter. Criteria: Invitae Variant Classification Sherloc (09022015). Collection method: clinical testing. Allele origin: germline.
Comment: This sequence change creates a premature translational stop signal (p.Glu1029Serfs*31) in the SKIV2L gene. It is expected to result in an absent or disrupted protein product. Loss-of-function variants in SKIV2L are known to be pathogenic (PMID: 22444670). This variant is not present in population databases (gnomAD no frequency). This variant has not been reported in the literature in individuals affected with SKIV2L-related conditions. Algorithms developed to predict the effect of sequence changes on RNA splicing suggest that this variant may create or strengthen a splice site. For these reasons, this variant has been classified as Pathogenic.

Literature cited by the submitters: PubMed 22444670.

NM_006929.5(SKIC2):c.3085del (p.Glu1029fs)

Gene: SKIC2 (SKI2 subunit of superkiller complex; plus strand). Cytogenetic location: 6p21.33.
Variant type: Deletion.
Coding change: c.3085del on transcript NM_006929.5 (MANE Select); coding-DNA position 3085, one base deleted (G; older notation c.3085delG).
Protein change: p.Glu1029fs; shifts the reading frame from glutamic acid 1029.
Molecular consequence: frameshift variant.
Genome position (GRCh38, 1-based): chr6:31,968,701, G deleted; the last of 3 consecutive G bases (chr6:31,968,699-31,968,701); deleting any one gives the same sequence. VCF-style (leftmost placement, unchanged base first): chr6-31968698-CG-C. GRCh37 (hg19) VCF-style: chr6-31936475-CG-C.
Other names: short protein forms E1029fs.
Identifiers: ClinVar variation 2824623 (VCV002824623.3), dbSNP rs2483001580, ClinGen allele CA2739272891.